The following is an entry in ClinVar:

NM_015386.3(COG4):c.32C>T (p.Pro11Leu)

Gene: COG4 (component of oligomeric golgi complex 4; minus strand). Cytogenetic location: 16q22.1.
Variant type: single nucleotide variant.
Coding change: c.32C>T on transcript NM_015386.3 (MANE Select); coding-DNA position 32, C replaced by T.
Protein change: p.Pro11Leu; replaces proline 11 with leucine.
Molecular consequence: missense variant. On other transcripts: 5 prime UTR variant (1), non-coding transcript variant (1).
Genome position (GRCh38, 1-based): chr16:70,523,512, G>A on the plus strand (C>T on the coding strand, the complement: COG4 is on the minus strand). VCF-style: chr16-70523512-G-A. GRCh37 (hg19) VCF-style: chr16-70557415-G-A.
Other names: c.20C>T, p.Pro7Leu (NM_001195139.2); c.-568C>T (NM_001365426.1); short protein forms P11L, P7L.
Identifiers: ClinVar variation 3357571 (VCV003357571.2).
Genomic context (GRCh38, chr16:70,523,512, plus strand): 5'-TCGGAGCAGCGGCCACCTCCCACCCCCTCAGACGGCTGCTGCACCCCTGACAGCTTCGGA[G>A]GCGAATCAAGGTCCGCCATCTTGGTCCCCATTCGGCACTTCCGGTCCCGCGAGGCCCCCT-3'
Protein context (NP_056201.2, residues 1-21): MGTKMADLDS[Pro11Leu]PKLSGVQQPS

ClinVar aggregate classification (germline): Uncertain significance. Review status: criteria provided, single submitter (1 of 4 stars). 2 submissions from 2 submitters: Uncertain significance (1). 1 of the submissions does not count toward it. Last evaluated 2025-06-18.

Conditions:
Inborn genetic diseases. Identifiers: MedGen C0950123, MeSH D030342.
COG4-related disorder. Also called: COG4-related condition.

gnomAD v4.1: 14 of 1,613,968 alleles (0.00087%); highest among the groups gnomAD compares: African/African-American, 0.0053%; no homozygotes.

Submissions (2):

Ambry Genetics
Classification: Uncertain significance for Inborn genetic diseases. Last evaluated: 2025-06-18. Review status: criteria provided, single submitter. Criteria: Ambry Variant Classification Scheme 2023. Collection method: clinical testing. Allele origin: germline.

PreventionGenetics, part of Exact Sciences
Classification: Uncertain significance for COG4-related condition. Last evaluated: 2024-05-03. Review status: no assertion criteria provided. Collection method: clinical testing. Allele origin: germline. Not counted in ClinVar's aggregate classification.
Comment: The COG4 c.32C>T variant is predicted to result in the amino acid substitution p.Pro11Leu. To our knowledge, this variant has not been reported in the literature. This variant is reported in 0.019% of alleles in individuals of African descent in gnomAD. At this time, the clinical significance of this variant is uncertain due to the absence of conclusive functional and genetic evidence.